The following is an entry in ClinVar:

NM_020975.6(RET):c.1522+10T>C

Gene: RET (ret proto-oncogene; plus strand). Cytogenetic location: 10q11.21.
Variant type: single nucleotide variant.
Coding change: c.1522+10T>C on transcript NM_020975.6 (MANE Select); 10 bases into the intron after coding-DNA position 1522, T replaced by C.
Molecular consequence: intron variant.
Genome position (GRCh38, 1-based): chr10:43,111,475, T>C. VCF-style: chr10-43111475-T-C. GRCh37 (hg19) VCF-style: chr10-43606923-T-C.
Other names: c.1522+10T>C (NM_020630.7, NM_001406743.1, NM_001406744.1 and 4 more transcripts); c.1126+10T>C (NM_001406772.1, NM_001406769.1); c.1084+10T>C (NM_001406773.1, NM_001406771.1); c.626-624T>C (NM_001406782.1, NM_001406780.1, NM_001406779.1 and 3 more transcripts); c.1393+10T>C (NM_001406764.1, NM_001406762.1, NM_001406761.1 and 1 more transcripts); c.997+10T>C (NM_001406774.1); c.497-624T>C (NM_001406786.1, NM_001406783.1); c.1234+10T>C (NM_001406770.1, NM_001406766.1, NM_001406767.1); and 5 more.
Identifiers: ClinVar variation 413452 (VCV000413452.12), dbSNP rs1060504030, ClinGen allele CA16613074.

ClinVar aggregate classification (germline): Likely benign. Review status: criteria provided, multiple submitters, no conflicts (2 of 4 stars). 2 submissions from 2 submitters: Likely benign (2). Last evaluated 2026-07-16.

Conditions:
RET-related disorder. Also called: RET-related disorders; RET-related condition; RET-related disease.
Multiple endocrine neoplasia, type 2 (MEN2). Identifiers: Orphanet 653, MedGen C4048306, MONDO:0019003. Disease mechanism: gain of function.

Allele frequency attached by ClinVar (database versions not stated): gnomAD exomes below 0.00001.
gnomAD v4.1: 1 of 1,553,894 alleles (0.000064%); highest among the groups gnomAD compares: Admixed American, 0.0017%; no homozygotes.

Submissions (2):

PreventionGenetics, part of Exact Sciences
Classification: Likely benign for RET-related condition. Last evaluated: 2026-07-16. Review status: criteria provided, single submitter. Criteria: ACMG Guidelines, 2015. Collection method: clinical testing. Allele origin: germline.
Comment: This variant is classified as likely benign based on ACMG/AMP sequence variant interpretation guidelines (Richards et al. 2015 PMID: 25741868, with internal and published modifications).

Labcorp Genetics (formerly Invitae), Labcorp
Classification: Likely benign for Multiple endocrine neoplasia, type 2. Last evaluated: 2023-07-25. Review status: criteria provided, single submitter. Criteria: Invitae Variant Classification Sherloc (09022015). Collection method: clinical testing. Allele origin: germline.